The following is an entry in ClinVar:

ClinVar aggregate classification (germline): Uncertain significance (1 of 4 stars; one submission).

gnomAD v4.1: 2 of 1,614,008 alleles (0.00012%); highest among the groups gnomAD compares: Non-Finnish European, 0.000085%; no homozygotes.

Submission:

Ambry Genetics
Classification: Uncertain significance. Last evaluated: 2025-05-23. Review status: criteria provided, single submitter. Criteria: Ambry Variant Classification Scheme 2023. Collection method: clinical testing. Allele origin: germline.
Comment: The p.R6T variant (also known as c.17G>C), located in coding exon 1 of the CDK12 gene, results from a G to C substitution at nucleotide position 17. The arginine at codon 6 is replaced by threonine, an amino acid with similar properties. This amino acid position is conserved. In addition, the in silico prediction for this alteration is inconclusive. Based on the available evidence, the clinical significance of this variant remains unclear.

NM_016507.4(CDK12):c.17G>C (p.Arg6Thr)

Genes: CDK12 (cyclin dependent kinase 12; plus strand), LOC126862553 (CDK7 strongly-dependent group 2 enhancer GRCh37_chr17:37618166-37619365; plus strand). Cytogenetic location: 17q12.
Variant type: single nucleotide variant.
Coding change: c.17G>C on transcript NM_016507.4 (MANE Select); coding-DNA position 17, G replaced by C.
Protein change: p.Arg6Thr; replaces arginine 6 with threonine.
Molecular consequence: missense variant.
Genome position (GRCh38, 1-based): chr17:39,462,088, G>C. VCF-style: chr17-39462088-G-C. GRCh37 (hg19) VCF-style: chr17-37618341-G-C.
Other names: c.17G>C, p.Arg6Thr (NM_015083.4); short protein forms R6T.
Identifiers: ClinVar variation 3999489 (VCV003999489.1).